The following is an entry in ClinVar:

ClinVar aggregate classification (germline): Uncertain significance. Review status: criteria provided, multiple submitters, no conflicts (2 of 4 stars). 2 submissions from 2 submitters: Uncertain significance (2). Last evaluated 2026-06-01.

Allele frequency attached by ClinVar (database versions not stated): gnomAD 0.00001; gnomAD exomes 0.00002; ExAC 0.00003; TOPMed 0.00003.
gnomAD v4.1: 38 of 1,614,070 alleles (0.0024%); highest among the groups gnomAD compares: Non-Finnish European, 0.0031%; no homozygotes.

Submissions (2):

CeGaT Center for Human Genetics Tuebingen
Classification: Uncertain significance. Last evaluated: 2026-06-01. Review status: criteria provided, single submitter. Criteria: CeGaT Center For Human Genetics Tuebingen Variant Classification Criteria Version 2. Collection method: clinical testing. Allele origin: germline. Affected: yes. Observed: 2 variant alleles.
Comment: FAT2: PP2, BP4

Ambry Genetics
Classification: Uncertain significance. Last evaluated: 2022-01-31. Review status: criteria provided, single submitter. Criteria: Ambry Variant Classification Scheme 2023. Collection method: clinical testing. Allele origin: germline.

NM_001447.3(FAT2):c.9434A>G (p.Asn3145Ser)

Genes: FAT2 (FAT atypical cadherin 2; minus strand), SLC36A1 (solute carrier family 36 member 1; plus strand). Cytogenetic location: 5q33.1.
Variant type: single nucleotide variant.
Coding change: c.9434A>G on transcript NM_001447.3 (MANE Select); coding-DNA position 9434, A replaced by G.
Protein change: p.Asn3145Ser; replaces asparagine 3145 with serine.
Molecular consequence: missense variant.
Genome position (GRCh38, 1-based): chr5:151,531,964, T>C on the plus strand (A>G on the coding strand, the complement: FAT2 is on the minus strand). VCF-style: chr5-151531964-T-C. GRCh37 (hg19) VCF-style: chr5-150911525-T-C.
Other names: short protein forms N3145S.
Identifiers: ClinVar variation 2394184 (VCV002394184.26), dbSNP rs753347885, ClinGen allele CA3520540.